The following is an entry in ClinVar:

ClinVar aggregate classification (germline): Uncertain significance (1 of 4 stars; one submission).

Conditions:
Charcot-Marie-Tooth disease type 2. Also called: Charcot-Marie-Tooth type 2. Identifiers: Orphanet 64746, MedGen C0270914, MONDO:0018993.

Submission:

Labcorp Genetics (formerly Invitae), Labcorp
Classification: Uncertain significance for Charcot-Marie-Tooth disease type 2. Last evaluated: 2020-03-18. Review status: criteria provided, single submitter. Criteria: Invitae Variant Classification Sherloc (09022015). Collection method: clinical testing. Allele origin: germline.
Comment: In summary, the available evidence is currently insufficient to determine the role of this variant in disease. Therefore, it has been classified as a Variant of Uncertain Significance. Algorithms developed to predict the effect of missense changes on protein structure and function (SIFT, PolyPhen-2, Align-GVGD) all suggest that this variant is likely to be disruptive, but these predictions have not been confirmed by published functional studies and their clinical significance is uncertain. This variant has not been reported in the literature in individuals with LMNA-related conditions. This variant is not present in population databases (ExAC no frequency). This sequence change replaces aspartic acid with histidine at codon 557 of the LMNA protein (p.Asp557His). The aspartic acid residue is highly conserved and there is a moderate physicochemical difference between aspartic acid and histidine.

NM_170707.4(LMNA):c.1669G>C (p.Asp557His)

Gene: LMNA (lamin A/C; plus strand). Cytogenetic location: 1q22.
Variant type: single nucleotide variant.
Coding change: c.1669G>C on transcript NM_170707.4 (MANE Select); coding-DNA position 1669, G replaced by C.
Protein change: p.Asp557His; replaces aspartic acid 557 with histidine.
Molecular consequence: missense variant. On other transcripts: intron variant (1).
Genome position (GRCh38, 1-based): chr1:156,137,714, G>C. VCF-style: chr1-156137714-G-C. GRCh37 (hg19) VCF-style: chr1-156107505-G-C.
Other names: c.1333G>C, p.Asp445His (NM_001257374.3); c.1426G>C, p.Asp476His (NM_001282624.2); c.1669G>C, p.Asp557His (NM_001282625.2, NM_001282626.2, NM_005572.4); c.1608+482G>C (NM_170708.4); short protein forms D445H, D476H, D557H.
Identifiers: ClinVar variation 1011038 (VCV001011038.8), dbSNP rs1651789592, ClinGen allele CA342825676.
Genomic context (GRCh38, chr1:156,137,714, plus strand): 5'-GAAGTGGCCATGCGCAAGCTGGTGCGCTCAGTGACTGTGGTTGAGGACGACGAGGATGAG[G>C]ATGGAGATGACCTGCTCCATCACCACCACGTGAGTGGTAGCCGCCGCTGAGGCCGAGCCT-3'
Protein context (NP_733821.1, residues 547-567): VTVVEDDEDE[Asp557His]GDDLLHHHHG